The following is an entry in ClinVar:

ClinVar aggregate classification (germline): Uncertain significance (1 of 4 stars; one submission).

Allele frequency attached by ClinVar (database versions not stated): gnomAD exomes below 0.00001.
gnomAD v4.1: 1 of 1,593,688 alleles (0.000063%); highest among the groups gnomAD compares: African/African-American, 0.0014%; no homozygotes.

Submission:

Labcorp Genetics (formerly Invitae), Labcorp
Classification: Uncertain significance. Last evaluated: 2021-08-09. Review status: criteria provided, single submitter. Criteria: Invitae Variant Classification Sherloc (09022015). Collection method: clinical testing. Allele origin: germline.
Comment: This variant is not present in population databases (ExAC no frequency). In summary, the available evidence is currently insufficient to determine the role of this variant in disease. Therefore, it has been classified as a Variant of Uncertain Significance. Algorithms developed to predict the effect of missense changes on protein structure and function (SIFT, PolyPhen-2, Align-GVGD) all suggest that this variant is likely to be tolerated. This variant has not been reported in the literature in individuals affected with SLC39A7-related conditions. This sequence change replaces lysine with arginine at codon 310 of the SLC39A7 protein (p.Lys310Arg). The lysine residue is moderately conserved and there is a small physicochemical difference between lysine and arginine.

NM_006979.3(SLC39A7):c.929A>G (p.Lys310Arg)

Gene: SLC39A7 (solute carrier family 39 member 7; plus strand). Cytogenetic location: 6p21.32.
Variant type: single nucleotide variant.
Coding change: c.929A>G on transcript NM_006979.3 (MANE Select); coding-DNA position 929, A replaced by G.
Protein change: p.Lys310Arg; replaces lysine 310 with arginine.
Molecular consequence: missense variant.
Genome position (GRCh38, 1-based): chr6:33,202,689, A>G. VCF-style: chr6-33202689-A-G. GRCh37 (hg19) VCF-style: chr6-33170466-A-G.
Other names: c.929A>G, p.Lys310Arg (NM_001077516.2); c.554A>G, p.Lys185Arg (NM_001288777.2); short protein forms K185R, K310R.
Identifiers: ClinVar variation 1468707 (VCV001468707.6), dbSNP rs1016376865, ClinGen allele CA137060343.